The following is an entry in ClinVar:

ClinVar aggregate classification (germline): Uncertain significance (1 of 4 stars; one submission).

Conditions:
Cardiovascular phenotype. Identifiers: MedGen CN230736.

Submission:

Ambry Genetics
Classification: Uncertain significance for Cardiovascular phenotype. Last evaluated: 2026-07-02. Review status: criteria provided, single submitter. Criteria: Ambry Variant Classification Scheme 2023. Collection method: clinical testing. Allele origin: germline.
Comment: The p.Y276N variant (also known as c.826T>A), located in coding exon 8 of the APOB gene, results from a T to A substitution at nucleotide position 826. The tyrosine at codon 276 is replaced by asparagine, an amino acid with dissimilar properties. This amino acid position is conserved. In addition, the in silico prediction for this alteration is inconclusive. Based on the available evidence, the clinical significance of this variant remains unclear.

NM_000384.3(APOB):c.826T>A (p.Tyr276Asn)

Gene: APOB (apolipoprotein B; minus strand). Cytogenetic location: 2p24.1.
Variant type: single nucleotide variant.
Coding change: c.826T>A on transcript NM_000384.3 (MANE Select); coding-DNA position 826, T replaced by A.
Protein change: p.Tyr276Asn; replaces tyrosine 276 with asparagine.
Molecular consequence: missense variant.
Genome position (GRCh38, 1-based): chr2:21,034,894, A>T on the plus strand (T>A on the coding strand, the complement: APOB is on the minus strand). VCF-style: chr2-21034894-A-T. GRCh37 (hg19) VCF-style: chr2-21257766-A-T.
Other names: short protein forms Y276N.
Identifiers: ClinVar variation 5027340 (VCV005027340.1).
Genomic context (GRCh38, chr2:21,034,894, plus strand): 5'-TGTTGATCTTTGGTGTGTCTTCAAGTTTCAAAGTCTGTGTCACTTGTGCTACCATCCCAT[A>T]CTTATTCCTGGTAACCAAGGAAGCACACCATGTCACGGATGGCCAGAACATACTATTCTT-3'
Protein context (NP_000375.3, residues 266-286): LFLPFSYKNK[Tyr276Asn]GMVAQVTQTL